The following is an entry in ClinVar:

NM_152383.5(DIS3L2):c.197G>C (p.Gly66Ala)

Gene: DIS3L2 (DIS3 like 3'-5' exoribonuclease 2; plus strand). Cytogenetic location: 2q37.1.
Variant type: single nucleotide variant.
Coding change: c.197G>C on transcript NM_152383.5 (MANE Select); coding-DNA position 197, G replaced by C.
Protein change: p.Gly66Ala; replaces glycine 66 with alanine.
Molecular consequence: missense variant. On other transcripts: non-coding transcript variant (2).
Genome position (GRCh38, 1-based): chr2:232,015,658, G>C. VCF-style: chr2-232015658-G-C. GRCh37 (hg19) VCF-style: chr2-232880368-G-C.
Other names: c.197G>C, p.Gly66Ala (NM_001257281.2, NM_001257282.2); short protein forms G66A.
Identifiers: ClinVar variation 1429773 (VCV001429773.8), dbSNP rs866879001, ClinGen allele CA67499259.
Genomic context (GRCh38, chr2:232,015,658, plus strand): 5'-AAAAGAGCATATTTGAAACTTACATGTCCAAGGAGGATGTTTCAGAAGGCTTGAAGAGAG[G>C]AACACTCATCCAGGTGCTTAAAATCTACTGGAAGGCTATTCTCTGAATATGTAGAATCCA-3'
Protein context (NP_689596.4, residues 56-76): KEDVSEGLKR[Gly66Ala]TLIQGVLRIN

ClinVar aggregate classification (germline): Uncertain significance (1 of 4 stars; one submission).

Conditions:
Perlman syndrome (PRLMNS). Identifiers: Orphanet 2849, MedGen C0796113, MONDO:0009965, OMIM 267000.

Allele frequency attached by ClinVar (database versions not stated): TOPMed 0.00001.

Submission:

Labcorp Genetics (formerly Invitae), Labcorp
Classification: Uncertain significance for Perlman syndrome. Last evaluated: 2020-12-15. Review status: criteria provided, single submitter. Criteria: Invitae Variant Classification Sherloc (09022015). Collection method: clinical testing. Allele origin: germline.
Comment: Algorithms developed to predict the effect of missense changes on protein structure and function are either unavailable or do not agree on the potential impact of this missense change (SIFT: "Deleterious"; PolyPhen-2: "Possibly Damaging"; Align-GVGD: "Class C0"). This variant has not been reported in the literature in individuals with DIS3L2-related conditions. This variant is not present in population databases (ExAC no frequency). This sequence change replaces glycine with alanine at codon 66 of the DIS3L2 protein (p.Gly66Ala). The glycine residue is highly conserved and there is a small physicochemical difference between glycine and alanine. In summary, the available evidence is currently insufficient to determine the role of this variant in disease. Therefore, it has been classified as a Variant of Uncertain Significance.